The following is an entry in ClinVar:

ClinVar aggregate classification (germline): Uncertain significance. Review status: criteria provided, multiple submitters, no conflicts (2 of 4 stars). 2 submissions from 2 submitters: Uncertain significance (2). Last evaluated 2025-01-19.

Conditions:
Hereditary cancer-predisposing syndrome. Also called: Tumor predisposition; Neoplastic Syndromes, Hereditary; Hereditary Cancer Syndrome; Hereditary neoplastic syndrome. Identifiers: Orphanet 140162, MedGen C0027672, MeSH D009386, MONDO:0015356.
Neuroblastoma, susceptibility to, 3. Also called: ALK-Related Neuroblastic Tumor Susceptibility. Identifiers: Orphanet 635, MedGen C2751681, MONDO:0013083, OMIM 613014.

Allele frequency attached by ClinVar (database versions not stated): ExAC 0.00002; gnomAD 0.00003; gnomAD exomes 0.00005.
gnomAD v4.1: 34 of 1,613,404 alleles (0.0021%); highest among the groups gnomAD compares: Non-Finnish European, 0.00025%; no homozygotes.

Submissions (2):

Ambry Genetics
Classification: Uncertain significance for Hereditary cancer-predisposing syndrome. Last evaluated: 2025-01-19. Review status: criteria provided, single submitter. Criteria: Ambry Variant Classification Scheme 2023. Collection method: clinical testing. Allele origin: germline.
Comment: The p.V1358A variant (also known as c.4073T>C), located in coding exon 27 of the ALK gene, results from a T to C substitution at nucleotide position 4073. The amino acid change results in valine to alanine at codon 1358, an amino acid with similar properties. This change occurs in the last base pair of coding exon 27. This amino acid position is highly conserved in available vertebrate species. In addition, the in silico prediction for this alteration is inconclusive. Based on the available evidence, the clinical significance of this variant remains unclear.

Labcorp Genetics (formerly Invitae), Labcorp
Classification: Uncertain significance for Neuroblastoma, susceptibility to, 3. Last evaluated: 2024-05-18. Review status: criteria provided, single submitter. Criteria: Invitae Variant Classification Sherloc (09022015). Collection method: clinical testing. Allele origin: germline.
Comment: This sequence change replaces valine, which is neutral and non-polar, with alanine, which is neutral and non-polar, at codon 1358 of the ALK protein (p.Val1358Ala). This variant is present in population databases (rs766432369, gnomAD 0.04%). This variant has not been reported in the literature in individuals affected with ALK-related conditions. An algorithm developed to predict the effect of missense changes on protein structure and function (PolyPhen-2) suggests that this variant is likely to be disruptive. In summary, the available evidence is currently insufficient to determine the role of this variant in disease. Therefore, it has been classified as a Variant of Uncertain Significance.

NM_004304.5(ALK):c.4073T>C (p.Val1358Ala)

Gene: ALK (ALK receptor tyrosine kinase; minus strand). Cytogenetic location: 2p23.2.
Variant type: single nucleotide variant.
Coding change: c.4073T>C on transcript NM_004304.5 (MANE Select); coding-DNA position 4073, T replaced by C.
Protein change: p.Val1358Ala; replaces valine 1358 with alanine.
Molecular consequence: missense variant.
Genome position (GRCh38, 1-based): chr2:29,197,542, A>G on the plus strand (T>C on the coding strand, the complement: ALK is on the minus strand). VCF-style: chr2-29197542-A-G. GRCh37 (hg19) VCF-style: chr2-29420408-A-G.
Other names: c.869T>C, p.Val290Ala (NM_001353765.2); c.4073T>C (NM_004304.4); short protein forms V290A, V1358A.
Identifiers: ClinVar variation 2919913 (VCV002919913.4), dbSNP rs766432369, ClinGen allele CA1593695.
Genomic context (GRCh38, chr2:29,197,542, plus strand): 5'-TATTTTTTGAAAAGAAAAACTGCTTAGTAACTAGCAGAAGTGTTCCTAAAAGAGTCATAC[A>G]CAGGCCCAGGGCAGTTCTTGGGTGGGTCCATCCGGCCTCCACTGGTGACAAACTCCAGAA-3'
Protein context (NP_004295.2, residues 1348-1368): MDPPKNCPGP[Val1358Ala]YRIMTQCWQH